The following is an entry in ClinVar:

NM_138387.4(G6PC3):c.16G>C (p.Gly6Arg)

Gene: G6PC3 (glucose-6-phosphatase catalytic subunit 3; plus strand). Cytogenetic location: 17q21.31.
Variant type: single nucleotide variant.
Coding change: c.16G>C on transcript NM_138387.4 (MANE Select); coding-DNA position 16, G replaced by C.
Protein change: p.Gly6Arg; replaces glycine 6 with arginine.
Molecular consequence: missense variant. On other transcripts: 5 prime UTR variant (3), intron variant (1).
Genome position (GRCh38, 1-based): chr17:44,070,981, G>C. VCF-style: chr17-44070981-G-C. GRCh37 (hg19) VCF-style: chr17-42148349-G-C.
Other names: c.16G>C, p.Gly6Arg (NM_001319945.2); c.-389G>C (NM_001384165.1); c.-524G>C (NM_001384166.1); c.-514G>C (NM_001384167.1); c.-312+267G>C (NM_001384168.1); short protein forms G6R.
Identifiers: ClinVar variation 3852386 (VCV003852386.1).

ClinVar aggregate classification (germline): Uncertain significance (1 of 4 stars; one submission).

Conditions:
Inborn genetic diseases. Identifiers: MedGen C0950123, MeSH D030342.

Submission:

Ambry Genetics
Classification: Uncertain significance for Inborn genetic diseases. Last evaluated: 2025-03-10. Review status: criteria provided, single submitter. Criteria: Ambry Variant Classification Scheme 2023. Collection method: clinical testing. Allele origin: germline.
Comment: The p.G6R variant (also known as c.16G>C), located in coding exon 1 of the G6PC3 gene, results from a G to C substitution at nucleotide position 16. The glycine at codon 6 is replaced by arginine, an amino acid with dissimilar properties. This amino acid position is conserved. In addition, this alteration is predicted to be tolerated by in silico analysis. Based on the available evidence, the clinical significance of this variant remains unclear.